The following is an entry in ClinVar:

ClinVar aggregate classification (germline): Likely benign (0 of 4 stars; one submission).

Conditions:
SLC45A1-related disorder. Also called: SLC45A1-related condition.

Allele frequency attached by ClinVar (database versions not stated): ExAC 0.00001; gnomAD exomes 0.00001; TOPMed 0.00001; gnomAD 0.00003.
gnomAD v4.1: 15 of 1,612,586 alleles (0.00093%); highest among the groups gnomAD compares: Non-Finnish European, 0.000085%; no homozygotes.

Submission:

PreventionGenetics, part of Exact Sciences
Classification: Likely benign for SLC45A1-related condition. Last evaluated: 2019-08-01. Review status: no assertion criteria provided. Collection method: clinical testing. Allele origin: germline.
Comment: This variant is classified as likely benign based on ACMG/AMP sequence variant interpretation guidelines (Richards et al. 2015 PMID: 25741868, with internal and published modifications).

NM_001080397.3(SLC45A1):c.906C>T (p.Ala302=)

Gene: SLC45A1 (solute carrier family 45 member 1; plus strand). Cytogenetic location: 1p36.23.
Variant type: single nucleotide variant.
Coding change: c.906C>T on transcript NM_001080397.3 (MANE Select); coding-DNA position 906, C replaced by T.
Protein change: p.Ala302=; no amino-acid change (alanine 302 retained).
Molecular consequence: synonymous variant.
Genome position (GRCh38, 1-based): chr1:8,330,399, C>T. VCF-style: chr1-8330399-C-T. GRCh37 (hg19) VCF-style: chr1-8390459-C-T.
Other names: c.906C>T, p.Ala302= (NM_001379614.1); c.813C>T, p.Ala271= (NM_001379615.1, NM_001379616.1); c.300C>T, p.Ala100= (NM_001379617.1, NM_001379618.1).
Identifiers: ClinVar variation 3035791 (VCV003035791.2), dbSNP rs774116352, ClinGen allele CA570253.